The following is an entry in ClinVar:

ClinVar aggregate classification (germline): Uncertain significance (1 of 4 stars; one submission).

Submission:

Women's Health and Genetics/Laboratory Corporation of America, LabCorp
Classification: Uncertain significance. Last evaluated: 2024-03-28. Review status: criteria provided, single submitter. Criteria: LabCorp Variant Classification Summary - May 2015. Collection method: clinical testing. Allele origin: germline.
Comment: Variant summary: GEMIN5 c.3016G>A (p.Glu1006Lys) results in a conservative amino acid change in the encoded protein sequence. Four of five in-silico tools predict a damaging effect of the variant on protein function. The variant is located close to a splice-site. Consensus agreement among computation tools predict no significant impact on normal splicing. However, these predictions have yet to be confirmed by functional studies. The variant was absent in 248134 control chromosomes (gnomAD). The available data on variant occurrences in the general population are insufficient to allow any conclusion about variant significance. To our knowledge, no occurrence of c.3016G>A in individuals affected with GEMIN5-Related Disorder and no experimental evidence demonstrating its impact on protein function have been reported. No submitters have cited clinical-significance assessments for this variant to ClinVar. Based on the evidence outlined above, the variant was classified as uncertain significance.

NM_015465.5(GEMIN5):c.3016G>A (p.Glu1006Lys)

Gene: GEMIN5 (gem nuclear organelle associated protein 5; minus strand). Cytogenetic location: 5q33.2.
Variant type: single nucleotide variant.
Coding change: c.3016G>A on transcript NM_015465.5 (MANE Select); coding-DNA position 3016, G replaced by A.
Protein change: p.Glu1006Lys; replaces glutamic acid 1006 with lysine.
Molecular consequence: missense variant.
Genome position (GRCh38, 1-based): chr5:154,899,309, C>T on the plus strand (G>A on the coding strand, the complement: GEMIN5 is on the minus strand). VCF-style: chr5-154899309-C-T. GRCh37 (hg19) VCF-style: chr5-154278869-C-T.
Other names: c.3013G>A, p.Glu1005Lys (NM_001252156.2); short protein forms E1005K, E1006K.
Identifiers: ClinVar variation 3233693 (VCV003233693.2), dbSNP rs2481046329, ClinGen allele CA361952808.